The following is an entry in ClinVar:

ClinVar aggregate classification (germline): Conflicting classifications of pathogenicity. Review status: criteria provided, conflicting classifications (1 of 4 stars). 2 submissions from 2 submitters: Uncertain significance (1); Benign (1). Last evaluated 2025-10-17.

Conditions:
Inborn genetic diseases. Identifiers: MedGen C0950123, MeSH D030342.
Amyotrophic lateral sclerosis type 4 (ALS4). Also called: AMYOTROPHIC LATERAL SCLEROSIS 4, JUVENILE; NEURONOPATHY, DISTAL HEREDITARY MOTOR, WITH PYRAMIDAL FEATURES. Identifiers: Orphanet 357043, MedGen C1865409, MONDO:0011223, OMIM 602433.
Spinocerebellar ataxia, autosomal recessive, with axonal neuropathy 2 (SCAN2). Also called: Ataxia-ocular apraxia-2; ATAXIA-OCULOMOTOR APRAXIA 2; Ataxia with Oculomotor Apraxia; Ataxia with Oculomotor Apraxia Type 2. Identifiers: Orphanet 64753, MedGen C1853761, MONDO:0018996, OMIM 606002.

Allele frequency attached by ClinVar (database versions not stated): TOPMed below 0.00001; ExAC 0.00002.
gnomAD v4.1: 7 of 1,613,912 alleles (0.00043%); highest among the groups gnomAD compares: Admixed American, 0.012%; no homozygotes.

Submissions (2):

Labcorp Genetics (formerly Invitae), Labcorp
Classification: Benign for Amyotrophic lateral sclerosis type 4; Spinocerebellar ataxia, autosomal recessive, with axonal neuropathy 2. Last evaluated: 2025-10-17. Review status: criteria provided, single submitter. Criteria: Invitae Variant Classification Sherloc (09022015). Collection method: clinical testing. Allele origin: germline.

Ambry Genetics
Classification: Uncertain significance for Inborn genetic diseases. Last evaluated: 2020-04-13. Review status: criteria provided, single submitter. Criteria: Ambry Variant Classification Scheme 2023. Collection method: clinical testing. Allele origin: germline.
Comment: The p.N1003S variant (also known as c.3008A>G), located in coding exon 8 of the SETX gene, results from an A to G substitution at nucleotide position 3008. The asparagine at codon 1003 is replaced by serine, an amino acid with highly similar properties. This amino acid position is not well conserved in available vertebrate species. In addition, this alteration is predicted to be tolerated by in silico analysis. Since supporting evidence is limited at this time, the clinical significance of this alteration remains unclear.

NM_015046.7(SETX):c.3008A>G (p.Asn1003Ser)

Gene: SETX (senataxin; minus strand). Cytogenetic location: 9q34.13.
Variant type: single nucleotide variant.
Coding change: c.3008A>G on transcript NM_015046.7 (MANE Select); coding-DNA position 3008, A replaced by G.
Protein change: p.Asn1003Ser; replaces asparagine 1003 with serine.
Molecular consequence: missense variant.
Genome position (GRCh38, 1-based): chr9:132,328,590, T>C on the plus strand (A>G on the coding strand, the complement: SETX is on the minus strand). VCF-style: chr9-132328590-T-C. GRCh37 (hg19) VCF-style: chr9-135203977-T-C.
Other names: c.3008A>G, p.Asn1003Ser (NM_001351527.2, NM_001351528.2); short protein forms N1003S.
Identifiers: ClinVar variation 1798761 (VCV001798761.3), dbSNP rs751831606, ClinGen allele CA5297502.